The following is an entry in ClinVar:

NM_000064.4(C3):c.190G>A (p.Gly64Ser)

Gene: C3 (complement C3; minus strand). Cytogenetic location: 19p13.3.
Variant type: single nucleotide variant.
Coding change: c.190G>A on transcript NM_000064.4 (MANE Select); coding-DNA position 190, G replaced by A.
Protein change: p.Gly64Ser; replaces glycine 64 with serine.
Molecular consequence: missense variant.
Genome position (GRCh38, 1-based): chr19:6,719,288, C>T on the plus strand (G>A on the coding strand, the complement: C3 is on the minus strand). VCF-style: chr19-6719288-C-T. GRCh37 (hg19) VCF-style: chr19-6719299-C-T.
Other names: short protein forms G64S.
Identifiers: ClinVar variation 4745488 (VCV004745488.1).
Genomic context (GRCh38, chr19:6,719,288, plus strand): 5'-CCATGTGGTTGGTGGCAGGGGTCAGCACAGTCTTCTCACTGGACAGCACTAGTTTTTTGC[C>T]TGGGAAGTCGTGGACAGTAACAGTGACTGGAACATCCCCTTGCGCGTCGTGGGCCTCCAG-3'
Protein context (NP_000055.2, residues 54-74): PVTVTVHDFP[Gly64Ser]KKLVLSSEKT

ClinVar aggregate classification (germline): Uncertain significance (1 of 4 stars; one submission).

gnomAD v4.1: 1 of 1,614,012 alleles (0.000062%); highest among the groups gnomAD compares: South Asian, 0.0011%; no homozygotes.

Submission:

Labcorp Genetics (formerly Invitae), Labcorp
Classification: Uncertain significance. Last evaluated: 2025-11-25. Review status: criteria provided, single submitter. Criteria: Invitae Variant Classification Sherloc (09022015). Collection method: clinical testing. Allele origin: germline.
Comment: This sequence change replaces glycine, which is neutral and non-polar, with serine, which is neutral and polar, at codon 64 of the C3 protein (p.Gly64Ser). This variant is not present in population databases (gnomAD no frequency). This variant has not been reported in the literature in individuals affected with C3-related conditions. Invitae Evidence Modeling of protein sequence and biophysical properties (such as structural, functional, and spatial information, amino acid conservation, physicochemical variation, residue mobility, and thermodynamic stability) indicates that this missense variant is not expected to disrupt C3 protein function with a negative predictive value of 80%. In summary, the available evidence is currently insufficient to determine the role of this variant in disease. Therefore, it has been classified as a Variant of Uncertain Significance.